The following is an entry in ClinVar:

ClinVar aggregate classification (germline): Conflicting classifications of pathogenicity. Review status: criteria provided, conflicting classifications (1 of 4 stars). 7 submissions from 7 submitters: Likely pathogenic (1); Uncertain significance (5). 1 of the submissions does not count toward it. Last evaluated 2025-07-02.

Conditions:
Arrhythmogenic right ventricular dysplasia 2. Identifiers: MedGen C1832931.
Catecholaminergic polymorphic ventricular tachycardia 1. Also called: VENTRICULAR TACHYCARDIA, CATECHOLAMINERGIC POLYMORPHIC, 1, WITH OR WITHOUT ATRIAL DYSFUNCTION AND/OR DILATED CARDIOMYOPATHY; VENTRICULAR TACHYCARDIA, STRESS-INDUCED POLYMORPHIC 1; RYR2-Related Catecholaminergic Polymorphic Ventricular Tachycardia. Identifiers: Orphanet 3286, MedGen C1631597, MONDO:0011484, OMIM 604772.
Ventricular arrhythmias due to cardiac ryanodine receptor calcium release deficiency syndrome. Also called: Autosomal dominant cardiac arrhythmia (Kuhn). Identifiers: MedGen C5542154, MONDO:0020745, OMIM 115000.
Cardiomyopathy (CMYO). Also called: Cardiomyopathies. Identifiers: Orphanet 167848, MedGen C0878544, MONDO:0004994, HP:0001638. Inheritance: Various modes of inheritance.
Catecholaminergic polymorphic ventricular tachycardia (CVPT). Also called: Catecholamine-induced polymorphic ventricular tachycardia. Identifiers: Orphanet 3286, MedGen C5574922, MONDO:0017990.

Allele frequency attached by ClinVar (database versions not stated): gnomAD below 0.00001 and 0.00002; gnomAD exomes 0.00001 and 0.00003; TOPMed 0.00001; ExAC 0.00006; 1000 Genomes Project 30x 0.00016; 1000 Genomes Project 0.00020.
gnomAD v4.1: 23 of 1,607,776 alleles (0.0014%); highest among the groups gnomAD compares: South Asian, 0.022%; no homozygotes.

Submissions (7):

Labcorp Genetics (formerly Invitae), Labcorp
Classification: Likely pathogenic for Catecholaminergic polymorphic ventricular tachycardia 1. Last evaluated: 2025-07-02. Review status: criteria provided, single submitter. Criteria: Invitae Variant Classification Sherloc (09022015). Collection method: clinical testing. Allele origin: germline.
Comment: This sequence change replaces cysteine, which is neutral and slightly polar, with serine, which is neutral and polar, at codon 3800 of the RYR2 protein (p.Cys3800Ser). This variant is present in population databases (rs397516504, gnomAD 0.02%). This missense change has been observed in individual(s) with clinical features of catecholaminergic polymorphic ventricular tachycardia (PMID: 29453246). ClinVar contains an entry for this variant (Variation ID: 43709). Invitae Evidence Modeling of protein sequence and biophysical properties (such as structural, functional, and spatial information, amino acid conservation, physicochemical variation, residue mobility, and thermodynamic stability) indicates that this missense variant is expected to disrupt RYR2 protein function with a positive predictive value of 95%. This variant disrupts the p.Cys3800 amino acid residue in RYR2. Other variant(s) that disrupt this residue have been determined to be pathogenic (internal data). This suggests that this residue is clinically significant, and that variants that disrupt this residue are likely to be disease-causing. In summary, the currently available evidence indicates that the variant is pathogenic, but additional data are needed to prove that conclusively. Therefore, this variant has been classified as Likely Pathogenic.

Blueprint Genetics
Classification: Uncertain significance. Last evaluated: 2024-03-15. Review status: criteria provided, single submitter. Criteria: ACMG Guidelines, 2015. Collection method: clinical testing. Allele origin: germline.

All of Us Research Program, National Institutes of Health
Classification: Uncertain significance for Catecholaminergic polymorphic ventricular tachycardia. Last evaluated: 2023-12-13. Review status: criteria provided, single submitter. Criteria: ACMG Guidelines, 2015. Collection method: clinical testing. Allele origin: germline. Inheritance: Autosomal dominant inheritance. Observed: 2 variant alleles, 2 heterozygotes.
Comment: This missense variant replaces cysteine with serine at codon 3800 of the RYR2 protein. Computational prediction suggests that this variant may have deleterious impact on protein structure and function (internally defined REVEL score threshold >= 0.7, PMID: 27666373). To our knowledge, functional studies have not been reported for this variant. This variant has not been reported in individuals affected with cardiovascular disorders in the literature. This variant has been identified in 8/247792 chromosomes in the general population by the Genome Aggregation Database (gnomAD). The available evidence is insufficient to determine the role of this variant in disease conclusively. Therefore, this variant is classified as a Variant of Uncertain Significance.

This study involves interpretation of variants in research participants for the purpose of population health screening. Participant phenotype was not available at the time of variant classification. Additional details can be found in publication PMID: 35346344, PMCID: PMC8962531

Color Diagnostics, LLC DBA Color Health
Classification: Uncertain significance for Cardiomyopathy. Last evaluated: 2022-12-06. Review status: criteria provided, single submitter. Criteria: ACMG Guidelines, 2015. Collection method: clinical testing. Allele origin: germline.
Comment: This missense variant replaces cysteine with serine at codon 3800 of the RYR2 protein. Computational prediction suggests that this variant may have deleterious impact on protein structure and function (internally defined REVEL score threshold >= 0.7, PMID: 27666373). To our knowledge, functional studies have not been reported for this variant. This variant has not been reported in individuals affected with cardiovascular disorders in the literature. This variant has been identified in 8/247792 chromosomes in the general population by the Genome Aggregation Database (gnomAD). The available evidence is insufficient to determine the role of this variant in disease conclusively. Therefore, this variant is classified as a Variant of Uncertain Significance.

Fulgent Genetics
Classification: Uncertain significance for Ventricular arrhythmias due to cardiac ryanodine receptor calcium release deficiency syndrome; Catecholaminergic polymorphic ventricular tachycardia 1. Last evaluated: 2021-09-08. Review status: criteria provided, single submitter. Criteria: ACMG Guidelines, 2015. Collection method: clinical testing. Allele origin: unknown.

Laboratory for Molecular Medicine, Mass General Brigham Personalized Medicine
Classification: Uncertain significance. Last evaluated: 2012-02-14. Review status: criteria provided, single submitter. Criteria: LMM Criteria. Collection method: clinical testing. Allele origin: germline. Observed: 1 variant allele.
Comment: The Cys3800Ser variant (RYR) has not been reported in the literature nor previou sly identified by our laboratory. Cystine (Cys) at position 3800 is highly conse rved in mammals and across evolutionarily distant species, though computational analyses (biochemical amino acid properties, AlignGVGD, PolyPhen2, and SIFT) do not provide strong support for or against an impact to the protein. Additional i nformation is needed to fully assess the clinical significance of the Cys3800Ser variant.

Genetics and Genomic Medicine Centre, NeuroGen Healthcare, NeuroGen Healthcare
Classification: Uncertain significance. Last evaluated: 2021-07-26. Review status: no assertion criteria provided. Collection method: clinical testing. Allele origin: unknown. Affected: yes. Not counted in ClinVar's aggregate classification.

Literature cited by the submitters: PubMed 29453246 (cited by Labcorp Genetics (formerly Invitae), Labcorp).

NM_001035.3(RYR2):c.11398T>A (p.Cys3800Ser)

Gene: RYR2 (ryanodine receptor 2; plus strand). Cytogenetic location: 1q43.
Variant type: single nucleotide variant.
Coding change: c.11398T>A on transcript NM_001035.3 (MANE Select); coding-DNA position 11398, T replaced by A.
Protein change: p.Cys3800Ser; replaces cysteine 3800 with serine.
Molecular consequence: missense variant.
Genome position (GRCh38, 1-based): chr1:237,759,848, T>A. VCF-style: chr1-237759848-T-A. GRCh37 (hg19) VCF-style: chr1-237923148-T-A.
Other names: short protein forms C3800S.
Identifiers: ClinVar variation 43709 (VCV000043709.19), dbSNP rs397516504, ClinGen allele CA006987.
Genomic context (GRCh38, chr1:237,759,848, plus strand): 5'-TACCTCAAGGAGAAAAAGGATGTGGGCTTCTTTCAGAGCCTGGCCGGCCTGATGCAGTCA[T>A]GTAGGTAAGGACTCACTTCCTTCTTGGGGGTTCTACTCAGTGGTTGTATTTTTTCGAAGC-3'
Protein context (NP_001026.2, residues 3790-3810): FQSLAGLMQS[Cys3800Ser]SVLDLNAFER